The following is an entry in ClinVar:

ClinVar aggregate classification (germline): Pathogenic (1 of 4 stars; one submission).

Submission:

Labcorp Genetics (formerly Invitae), Labcorp
Classification: Pathogenic. Last evaluated: 2025-10-27. Review status: criteria provided, single submitter. Criteria: Invitae Variant Classification Sherloc (09022015). Collection method: clinical testing. Allele origin: germline.
Comment: This sequence change creates a premature translational stop signal (p.Leu593Profs*39) in the LARS2 gene. It is expected to result in an absent or disrupted protein product. Loss-of-function variants in LARS2 are known to be pathogenic (PMID: 23541342, 30737337). This variant is not present in population databases (gnomAD no frequency). This variant has not been reported in the literature in individuals affected with LARS2-related conditions. For these reasons, this variant has been classified as Pathogenic.

Literature cited by the submitters: PubMed 23541342; PubMed 30737337.

NM_015340.4(LARS2):c.1778_1784del (p.Leu593fs)

Gene: LARS2 (leucyl-tRNA synthetase 2, mitochondrial; plus strand). Cytogenetic location: 3p21.31.
Variant type: Deletion.
Coding change: c.1778_1784del on transcript NM_015340.4 (MANE Select); coding-DNA positions 1778 to 1784, 7 bases deleted (TGCTGGC; older notation c.1778_1784delTGCTGGC).
Protein change: p.Leu593fs; shifts the reading frame from leucine 593.
Molecular consequence: frameshift variant.
Genome position (GRCh38, 1-based): chr3:45,513,152-45,513,158, TGCTGGC deleted; deleting any 7 consecutive bases within chr3:45,513,150-45,513,158 gives the same sequence; the c. name uses the placement nearest the transcript's 3' end. VCF-style (leftmost placement, unchanged base first): chr3-45513149-AGCTGCTG-A. GRCh37 (hg19) VCF-style: chr3-45554641-AGCTGCTG-A.
Other names: c.1778_1784del, p.Leu593fs (NM_001368263.1); short protein forms L593fs.
Identifiers: ClinVar variation 4729984 (VCV004729984.1).